The following is an entry in ClinVar:

ClinVar aggregate classification (germline): Uncertain significance. Review status: criteria provided, multiple submitters, no conflicts (2 of 4 stars). 3 submissions from 3 submitters: Uncertain significance (3). Last evaluated 2026-02-11.

Conditions:
GALNS-related disorder. Also called: GALNS-related condition.
Inborn genetic diseases. Identifiers: MedGen C0950123, MeSH D030342.

Allele frequency attached by ClinVar (database versions not stated): TOPMed 0.00002; ExAC 0.00009.
gnomAD v4.1: 145 of 1,561,608 alleles (0.0093%); highest among the groups gnomAD compares: South Asian, 0.024%; no homozygotes.

Submissions (3):

PreventionGenetics, part of Exact Sciences
Classification: Uncertain significance for GALNS-related condition. Last evaluated: 2026-02-11. Review status: criteria provided, single submitter. Criteria: ACMG Guidelines, 2015. Collection method: clinical testing. Allele origin: germline.
Comment: The GALNS c.1513G>A variant is predicted to result in the amino acid substitution p.Gly505Arg. To our knowledge, this variant has not been reported in the literature. This variant is reported in 0.021% of alleles in individuals of South Asian descent in gnomAD. At this time, the clinical significance of this variant is uncertain due to the absence of conclusive functional and genetic evidence.

Ambry Genetics
Classification: Uncertain significance for Inborn genetic diseases. Last evaluated: 2024-06-26. Review status: criteria provided, single submitter. Criteria: Ambry Variant Classification Scheme 2023. Collection method: clinical testing. Allele origin: germline.

Eurofins Ntd Llc (ga)
Classification: Uncertain significance. Last evaluated: 2015-01-26. Review status: criteria provided, single submitter. Criteria: EGL Classification Definitions 2015. Collection method: clinical testing. Allele origin: germline. Observed: 1 variant allele, 1 heterozygote.

NM_000512.5(GALNS):c.1513G>A (p.Gly505Arg)

Gene: GALNS (galactosamine (N-acetyl)-6-sulfatase; minus strand). Cytogenetic location: 16q24.3.
Variant type: single nucleotide variant.
Coding change: c.1513G>A on transcript NM_000512.5 (MANE Select); coding-DNA position 1513, G replaced by A.
Protein change: p.Gly505Arg; replaces glycine 505 with arginine.
Molecular consequence: missense variant.
Genome position (GRCh38, 1-based): chr16:88,814,495, C>T on the plus strand (G>A on the coding strand, the complement: GALNS is on the minus strand). VCF-style: chr16-88814495-C-T. GRCh37 (hg19) VCF-style: chr16-88880903-C-T.
Other names: c.958G>A, p.Gly320Arg (NM_001323543.2); c.1531G>A, p.Gly511Arg (NM_001323544.2); c.1513G>A (NM_000512.4); short protein forms G505R, G511R, G320R.
Identifiers: ClinVar variation 194338 (VCV000194338.7), dbSNP rs761539025, ClinGen allele CA240241.